The following is an entry in ClinVar:

ClinVar aggregate classification (germline): Uncertain significance (1 of 4 stars; one submission).

Allele frequency attached by ClinVar (database versions not stated): ExAC 0.00001; gnomAD 0.00001; gnomAD exomes 0.00001.
gnomAD v4.1: 13 of 1,613,108 alleles (0.00081%); highest among the groups gnomAD compares: Admixed American, 0.005%; no homozygotes.

Submission:

Labcorp Genetics (formerly Invitae), Labcorp
Classification: Uncertain significance. Last evaluated: 2022-10-03. Review status: criteria provided, single submitter. Criteria: Invitae Variant Classification Sherloc (09022015). Collection method: clinical testing. Allele origin: germline.
Comment: This variant has not been reported in the literature in individuals affected with RUSC2-related conditions. This sequence change replaces glycine, which is neutral and non-polar, with arginine, which is basic and polar, at codon 533 of the RUSC2 protein (p.Gly533Arg). This variant is present in population databases (rs573181285, gnomAD 0.006%). Algorithms developed to predict the effect of missense changes on protein structure and function are either unavailable or do not agree on the potential impact of this missense change (SIFT: "Tolerated"; PolyPhen-2: "Possibly Damaging"; Align-GVGD: "Class C0"). In summary, the available evidence is currently insufficient to determine the role of this variant in disease. Therefore, it has been classified as a Variant of Uncertain Significance. ClinVar contains an entry for this variant (Variation ID: 1381544).

NM_014806.5(RUSC2):c.1597G>A (p.Gly533Arg)

Gene: RUSC2 (RUN and SH3 domain containing 2; plus strand). Cytogenetic location: 9p13.3.
Variant type: single nucleotide variant.
Coding change: c.1597G>A on transcript NM_014806.5 (MANE Select); coding-DNA position 1597, G replaced by A.
Protein change: p.Gly533Arg; replaces glycine 533 with arginine.
Molecular consequence: missense variant. On other transcripts: non-coding transcript variant (1), intron variant (1).
Genome position (GRCh38, 1-based): chr9:35,548,118, G>A. VCF-style: chr9-35548118-G-A. GRCh37 (hg19) VCF-style: chr9-35548115-G-A.
Other names: c.1597G>A, p.Gly533Arg (NM_001135999.2); c.-620-6942G>A (NM_001330740.2); short protein forms G533R.
Identifiers: ClinVar variation 1381544 (VCV001381544.7), dbSNP rs573181285, ClinGen allele CA5043686.